The following is an entry in ClinVar:

NM_001267550.2(TTN):c.87041G>A (p.Arg29014Gln)

Genes: TTN (titin; minus strand), TTN-AS1 (TTN antisense RNA 1; plus strand). Cytogenetic location: 2q31.2.
Variant type: single nucleotide variant.
Coding change: c.87041G>A on transcript NM_001267550.2 (MANE Select); coding-DNA position 87041, G replaced by A.
Protein change: p.Arg29014Gln; replaces arginine 29014 with glutamine.
Molecular consequence: missense variant.
Genome position (GRCh38, 1-based): chr2:178,558,418, C>T on the plus strand (G>A on the coding strand, the complement: TTN is on the minus strand). VCF-style: chr2-178558418-C-T. GRCh37 (hg19) VCF-style: chr2-179423145-C-T.
Other names: c.82118G>A, p.Arg27373Gln (NM_001256850.1); c.59846G>A, p.Arg19949Gln (NM_003319.4); c.79337G>A, p.Arg26446Gln (NM_133378.4); c.60221G>A, p.Arg20074Gln (NM_133432.3); c.60422G>A, p.Arg20141Gln (NM_133437.4); short protein forms R19949Q, R29014Q, R26446Q, R27373Q, R20074Q, R20141Q.
Identifiers: ClinVar variation 264476 (VCV000264476.14), dbSNP rs772536290, ClinGen allele CA10587461.

ClinVar aggregate classification (germline): Uncertain significance. Review status: criteria provided, multiple submitters, no conflicts (2 of 4 stars). 5 submissions from 5 submitters: Uncertain significance (2). 3 of the submissions do not count toward it. Last evaluated 2017-07-28.

Conditions:
Cardiovascular phenotype. Identifiers: MedGen CN230736.

Allele frequency attached by ClinVar (database versions not stated): gnomAD exomes 0.00002; TOPMed 0.00002.
gnomAD v4.1: 25 of 1,613,742 alleles (0.0015%); highest among the groups gnomAD compares: Admixed American, 0.0033%; no homozygotes.

Submissions (5):

Eurofins Ntd Llc (ga)
Classification: Uncertain significance. Last evaluated: 2017-07-28. Review status: criteria provided, single submitter. Criteria: EGL Classification Definitions 2015. Collection method: clinical testing. Allele origin: germline. Observed: 1 variant allele, 1 heterozygote.

Ambry Genetics
Classification: Uncertain significance for Cardiovascular phenotype. Last evaluated: 2017-03-01. Review status: criteria provided, single submitter. Criteria: Ambry Variant Classification Scheme 2023. Collection method: clinical testing. Allele origin: germline.
Comment: The p.R19949Q variant (also known as c.59846G>A), located in coding exon 154 of the TTN gene, results from a G to A substitution at nucleotide position 59846. The arginine at codon 19949 is replaced by glutamine, an amino acid with highly similar properties. This amino acid position is highly conserved in available vertebrate species. In addition, the in silico prediction for this alteration is inconclusive. Since supporting evidence is limited at this time, the clinical significance of this variant remains unclear.

Clinical Genetics, Academic Medical Center
Classification: Uncertain significance. Review status: no assertion criteria provided. Collection method: clinical testing. Allele origin: germline. Affected: yes. Study: VKGL Data-share Consensus. Not counted in ClinVar's aggregate classification.

Diagnostic Laboratory, Department of Genetics, University Medical Center Groningen
Classification: Uncertain significance. Review status: no assertion criteria provided. Collection method: clinical testing. Allele origin: germline. Affected: yes. Study: VKGL Data-share Consensus. Not counted in ClinVar's aggregate classification.

Genome Diagnostics Laboratory, University Medical Center Utrecht
Classification: Uncertain significance. Review status: no assertion criteria provided. Collection method: clinical testing. Allele origin: germline. Affected: yes. Study: VKGL Data-share Consensus. Not counted in ClinVar's aggregate classification.